The following is an entry in ClinVar:

ClinVar aggregate classification (germline): Uncertain significance. Review status: criteria provided, multiple submitters, no conflicts (2 of 4 stars). 2 submissions from 2 submitters: Uncertain significance (2). Last evaluated 2026-07-29.

Conditions:
Gorlin syndrome. Also called: Basal cell nevus syndrome; Nevoid Basal Cell Carcinoma Syndrome. Identifiers: Orphanet 377, MedGen C0004779, MONDO:0007187.
Hereditary cancer-predisposing syndrome. Also called: Tumor predisposition; Hereditary neoplastic syndrome; Neoplastic Syndromes, Hereditary; Hereditary Cancer Syndrome. Identifiers: Orphanet 140162, MedGen C0027672, MeSH D009386, MONDO:0015356.

Submissions (2):

Ambry Genetics
Classification: Uncertain significance for Hereditary cancer-predisposing syndrome. Last evaluated: 2026-07-29. Review status: criteria provided, single submitter. Criteria: Ambry Variant Classification Scheme 2023. Collection method: clinical testing. Allele origin: germline.
Comment: The p.F109C variant (also known as c.326T>G), located in coding exon 2 of the PTCH1 gene, results from a T to G substitution at nucleotide position 326. The phenylalanine at codon 109 is replaced by cysteine, an amino acid with highly dissimilar properties. This amino acid position is conserved. In addition, this alteration is predicted to be deleterious by in silico analysis. Based on the available evidence, the clinical significance of this variant remains unclear.

Labcorp Genetics (formerly Invitae), Labcorp
Classification: Uncertain significance for Gorlin syndrome. Last evaluated: 2024-11-15. Review status: criteria provided, single submitter. Criteria: Invitae Variant Classification Sherloc (09022015). Collection method: clinical testing. Allele origin: germline.
Comment: This sequence change replaces phenylalanine, which is neutral and non-polar, with cysteine, which is neutral and slightly polar, at codon 109 of the PTCH1 protein (p.Phe109Cys). This variant is not present in population databases (gnomAD no frequency). This variant has not been reported in the literature in individuals affected with PTCH1-related conditions. ClinVar contains an entry for this variant (Variation ID: 839659). Invitae Evidence Modeling of protein sequence and biophysical properties (such as structural, functional, and spatial information, amino acid conservation, physicochemical variation, residue mobility, and thermodynamic stability) has been performed for this missense variant. However, the output from this modeling did not meet the statistical confidence thresholds required to predict the impact of this variant on PTCH1 protein function. In summary, the available evidence is currently insufficient to determine the role of this variant in disease. Therefore, it has been classified as a Variant of Uncertain Significance.

NM_000264.5(PTCH1):c.326T>G (p.Phe109Cys)

Gene: PTCH1 (patched 1; minus strand). Cytogenetic location: 9q22.32.
Variant type: single nucleotide variant.
Coding change: c.326T>G on transcript NM_000264.5 (MANE Select); coding-DNA position 326, T replaced by G.
Protein change: p.Phe109Cys; replaces phenylalanine 109 with cysteine.
Molecular consequence: missense variant. On other transcripts: 5 prime UTR variant (4), non-coding transcript variant (1).
Genome position (GRCh38, 1-based): chr9:95,506,475, A>C on the plus strand (T>G on the coding strand, the complement: PTCH1 is on the minus strand). VCF-style: chr9-95506475-A-C. GRCh37 (hg19) VCF-style: chr9-98268757-A-C.
Other names: c.128T>G, p.Phe43Cys (NM_001083602.3, NM_001354919.2); c.323T>G, p.Phe108Cys (NM_001083603.3); c.-128T>G (NM_001083604.3, NM_001083605.3, NM_001083606.3 and 1 more transcripts); c.326T>G, p.Phe109Cys (NM_001354918.2); short protein forms F109C, F108C, F43C.
Identifiers: ClinVar variation 839659 (VCV000839659.15), dbSNP rs1587693269, ClinGen allele CA374120271.
Genomic context (GRCh38, chr9:95,506,475, plus strand): 5'-CACAGCTCCTCCACGTTGGTCTCGAGGTTCGCTGCTTTTAATCCCACCGCGAAGGCCCCA[A>C]ATATGAGGAGGCCCACAACCAAGAACTTGCCGCAGTTTTTTTGAATGTAACAACCCAGTT-3'
Protein context (NP_000255.2, residues 99-119): GKFLVVGLLI[Phe109Cys]GAFAVGLKAA